The following is an entry in ClinVar:

NM_001085411.3(NADK2):c.632G>A (p.Arg211His)

Gene: NADK2 (NAD kinase 2, mitochondrial; minus strand). Cytogenetic location: 5p13.2.
Variant type: single nucleotide variant.
Coding change: c.632G>A on transcript NM_001085411.3 (MANE Select); coding-DNA position 632, G replaced by A.
Protein change: p.Arg211His; replaces arginine 211 with histidine.
Molecular consequence: missense variant.
Genome position (GRCh38, 1-based): chr5:36,219,608, C>T on the plus strand (G>A on the coding strand, the complement: NADK2 is on the minus strand). VCF-style: chr5-36219608-C-T. GRCh37 (hg19) VCF-style: chr5-36219710-C-T.
Other names: c.143G>A, p.Arg48His (NM_001287340.2, NM_001287341.2, NM_153013.5); short protein forms R211H, R48H.
Identifiers: ClinVar variation 380571 (VCV000380571.33), dbSNP rs138373837, ClinGen allele CA3234667.

ClinVar aggregate classification (germline): Benign. Review status: criteria provided, multiple submitters, no conflicts (2 of 4 stars). 4 submissions from 4 submitters: Benign (4). Last evaluated 2026-09-01.

Conditions:
Progressive encephalopathy with leukodystrophy due to DECR deficiency. Identifiers: Orphanet 431361, MedGen C1857252, MONDO:0014464, OMIM 616034.

Allele frequency attached by ClinVar (database versions not stated): 1000 Genomes Project 30x 0.00500; 1000 Genomes Project 0.00559; TOPMed 0.01278; gnomAD exomes 0.01328 and 0.01970; ExAC 0.01336; gnomAD 0.01369 and 0.01396; ESP Exome Variant Server 0.01715.

Submissions (4):

CeGaT Center for Human Genetics Tuebingen
Classification: Benign. Last evaluated: 2026-09-01. Review status: criteria provided, single submitter. Criteria: CeGaT Center For Human Genetics Tuebingen Variant Classification Criteria Version 2. Collection method: clinical testing. Allele origin: germline. Affected: yes. Observed: 44 variant alleles.
Comment: NADK2: BS1, BS2

Labcorp Genetics (formerly Invitae), Labcorp
Classification: Benign for Progressive encephalopathy with leukodystrophy due to DECR deficiency. Last evaluated: 2026-02-03. Review status: criteria provided, single submitter. Criteria: Invitae Variant Classification Sherloc (09022015). Collection method: clinical testing. Allele origin: germline.

GeneDx
Classification: Benign. Last evaluated: 2016-08-05. Review status: criteria provided, single submitter. Criteria: GeneDx Variant Classification (06012015). Collection method: clinical testing. Allele origin: germline. Affected: yes.
Comment: This variant is considered likely benign or benign based on one or more of the following criteria: it is a conservative change, it occurs at a poorly conserved position in the protein, it is predicted to be benign by multiple in silico algorithms, and/or has population frequency not consistent with disease.

Breakthrough Genomics
Classification: Benign. Review status: criteria provided, single submitter. Criteria: ACMG Guidelines, 2015. Collection method: not provided. Allele origin: germline. Inheritance: Autosomal recessive inheritance. Affected: yes.